The following is an entry in ClinVar:

ClinVar aggregate classification (germline): Uncertain significance (1 of 4 stars; one submission).

Conditions:
Amyloidosis, hereditary systemic 1 (AMYLD1). Also called: Familial amyloid polyneuropathy; Transthyretin Amyloidosis; AMYLOID CARDIOMYOPATHY; Hereditary Transthyretin Amyloidosis; Hereditary oculoleptomeningeal amyloid angiopathy; Familial Transthyretin Amyloidosis. Identifiers: Orphanet 85447, Orphanet 85451, MedGen C2751492, MONDO:0971004, OMIM 105210.

Submission:

Labcorp Genetics (formerly Invitae), Labcorp
Classification: Uncertain significance for Amyloidosis, hereditary systemic 1. Last evaluated: 2023-11-14. Review status: criteria provided, single submitter. Criteria: Invitae Variant Classification Sherloc (09022015). Collection method: clinical testing. Allele origin: unknown.
Comment: A gross deletion of the genomic region encompassing the full coding sequence of the TTR gene has been identified. The current clinical and genetic evidence is not sufficient to establish whether loss-of-function variants in TTR cause disease. The boundaries of this event are unknown as they extend beyond the assayed region for this gene and therefore may encompass additional genes. This variant has not been reported in the literature in individuals affected with TTR-related conditions. In summary, the available evidence is currently insufficient to determine the role of this variant in disease. Therefore, it has been classified as a Variant of Uncertain Significance.

NC_000018.9:g.(?_29078215)_(29178638_?)del

Genes: DSG2 (desmoglein 2; plus strand), TTR (transthyretin; plus strand). Cytogenetic location: 18q12.1.
Variant type: Deletion.
Identifiers: ClinVar variation 3242760 (VCV003242760.1).